The following is an entry in ClinVar:

NM_001372.4(DNAH9):c.8825T>C (p.Ile2942Thr)

Gene: DNAH9 (dynein axonemal heavy chain 9; plus strand). Cytogenetic location: 17p12.
Variant type: single nucleotide variant.
Coding change: c.8825T>C on transcript NM_001372.4 (MANE Select); coding-DNA position 8825, T replaced by C.
Protein change: p.Ile2942Thr; replaces isoleucine 2942 with threonine.
Molecular consequence: missense variant.
Genome position (GRCh38, 1-based): chr17:11,822,037, T>C. VCF-style: chr17-11822037-T-C. GRCh37 (hg19) VCF-style: chr17-11725354-T-C.
Other names: short protein forms I2942T.
Identifiers: ClinVar variation 2233044 (VCV002233044.3), dbSNP rs142764502, ClinGen allele CA288037148.
Genomic context (GRCh38, chr17:11,822,037, plus strand): 5'-GGAATGAAGTCAAGAGCCAGGGTCTGGTTGACAACAGAGAGAACTGTTGGAAGTTCTTTA[T>C]AGATCGGATCCGGCGACAGCTGAAGGTAAAGAGCATTTACTGACAGGGGCAGGCAGAGAC-3'
Protein context (NP_001363.2, residues 2932-2952): DNRENCWKFF[Ile2942Thr]DRIRRQLKVT

ClinVar aggregate classification (germline): Uncertain significance. Review status: criteria provided, multiple submitters, no conflicts (2 of 4 stars). 2 submissions from 2 submitters: Uncertain significance (2). Last evaluated 2024-04-19.

Conditions:
Inborn genetic diseases. Identifiers: MedGen C0950123, MeSH D030342.

Allele frequency attached by ClinVar (database versions not stated): TOPMed 0.00001; 1000 Genomes Project 30x 0.00016; 1000 Genomes Project 0.00020.
gnomAD v4.1: 11 of 1,613,782 alleles (0.00068%); highest among the groups gnomAD compares: African/African-American, 0.012%; no homozygotes.

Submissions (2):

GeneDx
Classification: Uncertain significance. Last evaluated: 2024-04-19. Review status: criteria provided, single submitter. Criteria: GeneDx Variant Classification Process June 2021. Collection method: clinical testing. Allele origin: germline. Affected: yes.
Comment: Not observed at significant frequency in large population cohorts (gnomAD); In silico analysis supports that this missense variant has a deleterious effect on protein structure/function; Has not been previously published as pathogenic or benign to our knowledge

Ambry Genetics
Classification: Uncertain significance for Inborn genetic diseases. Last evaluated: 2021-06-23. Review status: criteria provided, single submitter. Criteria: Ambry Variant Classification Scheme 2023. Collection method: clinical testing. Allele origin: germline.